The following is an entry in ClinVar:

NM_000535.7(PMS2):c.2432C>G (p.Ala811Gly)

Gene: PMS2 (PMS1 homolog 2, mismatch repair system component; minus strand). Cytogenetic location: 7p22.1.
Variant type: single nucleotide variant.
Coding change: c.2432C>G on transcript NM_000535.7 (MANE Select); coding-DNA position 2432, C replaced by G.
Protein change: p.Ala811Gly; replaces alanine 811 with glycine.
Molecular consequence: missense variant. On other transcripts: non-coding transcript variant (1).
Genome position (GRCh38, 1-based): chr7:5,977,601, G>C on the plus strand (C>G on the coding strand, the complement: PMS2 is on the minus strand). VCF-style: chr7-5977601-G-C. GRCh37 (hg19) VCF-style: chr7-6017232-G-C.
Other names: c.2060C>G, p.Ala687Gly (NM_001406887.1, NM_001406888.1, NM_001322009.2); c.2027C>G, p.Ala676Gly (NM_001406889.1, NM_001322003.2, NM_001322004.2 and 11 more transcripts); c.2276C>G, p.Ala759Gly (NM_001322006.2); c.2114C>G, p.Ala705Gly (NM_001322007.2, NM_001322008.2, NM_001406883.1); c.2288C>G, p.Ala763Gly (NM_001406871.1); c.2264C>G, p.Ala755Gly (NM_001406872.1, NM_001406874.1); c.2234C>G, p.Ala745Gly (NM_001406873.1); c.2156C>G, p.Ala719Gly (NM_001406875.1); and 20 more; short protein forms A500G, A572G, A624G, A708G, A719G, A811G, A819G, A676G.
Identifiers: ClinVar variation 5026925 (VCV005026925.1).

ClinVar aggregate classification (germline): Uncertain significance (1 of 4 stars; one submission).

Conditions:
Hereditary cancer-predisposing syndrome. Also called: Neoplastic Syndromes, Hereditary; Tumor predisposition; Hereditary neoplastic syndrome; Hereditary Cancer Syndrome. Identifiers: Orphanet 140162, MedGen C0027672, MeSH D009386, MONDO:0015356.

Submission:

Ambry Genetics
Classification: Uncertain significance for Hereditary cancer-predisposing syndrome. Last evaluated: 2026-07-13. Review status: criteria provided, single submitter. Criteria: Ambry Variant Classification Scheme 2023. Collection method: clinical testing. Allele origin: germline.
Comment: The p.A811G variant (also known as c.2432C>G), located in coding exon 14 of the PMS2 gene, results from a C to G substitution at nucleotide position 2432. The alanine at codon 811 is replaced by glycine, an amino acid with similar properties. This amino acid position is conserved. In addition, this alteration is predicted to be deleterious by in silico analysis. Based on the available evidence, the clinical significance of this variant remains unclear.